The following is an entry in ClinVar:

NM_001374736.1(DST):c.15807G>C (p.Glu5269Asp)

Gene: DST (dystonin; minus strand). Cytogenetic location: 6p12.1.
Variant type: single nucleotide variant.
Coding change: c.15807G>C on transcript NM_001374736.1 (MANE Select); coding-DNA position 15807, G replaced by C.
Protein change: p.Glu5269Asp; replaces glutamic acid 5269 with aspartic acid.
Molecular consequence: missense variant.
Genome position (GRCh38, 1-based): chr6:56,552,985, C>G on the plus strand (G>C on the coding strand, the complement: DST is on the minus strand). VCF-style: chr6-56552985-C-G. GRCh37 (hg19) VCF-style: chr6-56417783-C-G.
Other names: c.9450G>C, p.Glu3150Asp (NM_001144769.5); c.9036G>C, p.Glu3012Asp (NM_001144770.2); c.15807G>C, p.Glu5269Asp (NM_001374722.1); c.15174G>C, p.Glu5058Asp (NM_001374729.1); c.8916G>C, p.Glu2972Asp (NM_001374730.1, NM_001386100.1, NM_183380.4); c.15834G>C, p.Glu5278Asp (NM_001374734.1); c.7938G>C, p.Glu2646Asp (NM_015548.5); short protein forms E2646D, E5269D, E5278D, E2972D, E3012D, E3150D, E5058D.
Identifiers: ClinVar variation 1906899 (VCV001906899.5), dbSNP rs2535334875, ClinGen allele CA364515909.
Genomic context (GRCh38, chr6:56,552,985, plus strand): 5'-AAGCTGCCTTTTAGATTCTTTGGAAACTTCTTGAAATTCTTTAAACTTCTGAGTCATGTT[C>G]TCCAGACAGAATTTCTTACTGTGAAGTTGTTCAGTGACCATGTCCACCTTCTGGATCAGT-3'
Protein context (NP_001361665.1, residues 5259-5279): EQLHSKKFCL[Glu5269Asp]NMTQKFKEFQ

ClinVar aggregate classification (germline): Uncertain significance (1 of 4 stars; one submission).

Conditions:
Hereditary sensory and autonomic neuropathy type 6. Also called: HSAN VI; Neuropathy, hereditary sensory and autonomic, type VI. Identifiers: Orphanet 314381, MedGen C3539003, MONDO:0013839, OMIM 614653.
Epidermolysis bullosa simplex 3, localized or generalized intermediate, with BP230 deficiency (EBS3). Also called: Epidermolysis bullosa simplex, autosomal recessive 2; Epidermolysis bullosa simplex due to BP230 deficiency. Identifiers: Orphanet 412181, MedGen C3809470, MONDO:0014180, OMIM 615425.

Submission:

Labcorp Genetics (formerly Invitae), Labcorp
Classification: Uncertain significance for Epidermolysis bullosa simplex 3, localized or generalized intermediate, with BP230 deficiency; Hereditary sensory and autonomic neuropathy type 6. Last evaluated: 2022-07-01. Review status: criteria provided, single submitter. Criteria: Invitae Variant Classification Sherloc (09022015). Collection method: clinical testing. Allele origin: germline.
Comment: Experimental studies and prediction algorithms are not available or were not evaluated, and the functional significance of this variant is currently unknown. In summary, the available evidence is currently insufficient to determine the role of this variant in disease. Therefore, it has been classified as a Variant of Uncertain Significance. The DST gene has multiple clinically relevant transcripts. This variant occurs in alternate transcript NM_015548.4, and corresponds to NM_001723.5:c.*62532G>C in the primary transcript. This sequence change replaces glutamic acid, which is acidic and polar, with aspartic acid, which is acidic and polar, at codon 2646 of the DST protein (p.Glu2646Asp). This variant is not present in population databases (gnomAD no frequency). This variant has not been reported in the literature in individuals affected with DST-related conditions.